The following is an entry in ClinVar:

ClinVar aggregate classification (germline): Uncertain significance (1 of 4 stars; one submission).

Submission:

Ambry Genetics
Classification: Uncertain significance. Last evaluated: 2021-10-31. Review status: criteria provided, single submitter. Criteria: Ambry Variant Classification Scheme 2023. Collection method: clinical testing. Allele origin: germline.
Comment: The p.I817M variant (also known as c.2451C>G), located in coding exon 13 of the PALLD gene, results from a C to G substitution at nucleotide position 2451. The isoleucine at codon 817 is replaced by methionine, an amino acid with highly similar properties. This amino acid position is conserved. In addition, the in silico prediction for this alteration is inconclusive. Since supporting evidence is limited at this time, the clinical significance of this alteration remains unclear.

NM_001166108.2(PALLD):c.2502C>G (p.Ile834Met)

Genes: CBR4 (carbonyl reductase 4; minus strand), PALLD (palladin, cytoskeletal associated protein; plus strand). Cytogenetic location: 4q32.3.
Variant type: single nucleotide variant.
Coding change: c.2502C>G on transcript NM_001166108.2 (MANE Select); coding-DNA position 2502, C replaced by G.
Protein change: p.Ile834Met; replaces isoleucine 834 with methionine.
Molecular consequence: missense variant.
Genome position (GRCh38, 1-based): chr4:168,903,786, C>G. VCF-style: chr4-168903786-C-G. GRCh37 (hg19) VCF-style: chr4-169824937-C-G.
Other names: c.1305C>G, p.Ile435Met (NM_001166109.2); c.990C>G, p.Ile330Met (NM_001166110.2); c.330C>G, p.Ile110Met (NM_001367567.1, NM_001367569.1); c.381C>G, p.Ile127Met (NM_001367568.1, NM_001367570.1); c.2451C>G, p.Ile817Met (NM_016081.4); short protein forms I110M, I435M, I817M, I834M, I127M, I330M.
Identifiers: ClinVar variation 1791493 (VCV001791493.2), dbSNP rs1757050185, ClinGen allele CA358799299.